The following is an entry in ClinVar:

NM_000117.3(EMD):c.399G>C (p.Gln133His)

Gene: EMD (emerin; plus strand). Cytogenetic location: Xq28.
Variant type: single nucleotide variant.
Coding change: c.399G>C on transcript NM_000117.3 (MANE Select); coding-DNA position 399, G replaced by C.
Protein change: p.Gln133His; replaces glutamine 133 with histidine.
Molecular consequence: missense variant.
Genome position (GRCh38, 1-based): chrX:154,380,367, G>C. VCF-style: chrX-154380367-G-C. GRCh37 (hg19) VCF-style: chrX-153608727-G-C.
Other names: short protein forms Q133H.
Identifiers: ClinVar variation 2125238 (VCV002125238.5), dbSNP rs2522789019, ClinGen allele CA415258077.
Genomic context (GRCh38, chrX:154,380,367, plus strand): 5'-GTCCAGGGCTGTCCGCCAGTCAGTGACTTCATTCCCAGATGCTGACGCTTTCCATCACCA[G>C]GTGAGCTGGCTGGCAGGCGTCCTGTACTTGGGTACAACCTAGGGGATCGCGGCTGTGTTT-3'
Protein context (NP_000108.1, residues 123-143): SFPDADAFHH[Gln133His]VHDDDLLSSS

ClinVar aggregate classification (germline): Conflicting classifications of pathogenicity. Review status: criteria provided, conflicting classifications (1 of 4 stars). 2 submissions from 2 submitters: Likely pathogenic (1); Uncertain significance (1). Last evaluated 2026-07-14.

Conditions:
X-linked Emery-Dreifuss muscular dystrophy. Also called: Muscular dystrophy, tardive Emery-Dreifuss type, with contractures. Identifiers: Orphanet 261, Orphanet 98863, MedGen C0751337, MONDO:0010680.
Cardiovascular phenotype. Identifiers: MedGen CN230736.

Submissions (2):

Molecular Diagnostic Laboratory for Inherited Cardiovascular Disease, Montreal Heart Institute
Classification: Likely pathogenic for Cardiovascular phenotype. Last evaluated: 2026-07-14. Review status: criteria provided, single submitter. Criteria: ACMG Guidelines, 2015. Collection method: clinical testing. Allele origin: germline. Affected: yes.
Comment: PVS1_strong, PM2

Labcorp Genetics (formerly Invitae), Labcorp
Classification: Uncertain significance for X-linked Emery-Dreifuss muscular dystrophy. Last evaluated: 2022-04-12. Review status: criteria provided, single submitter. Criteria: Invitae Variant Classification Sherloc (09022015). Collection method: clinical testing. Allele origin: germline.
Comment: Algorithms developed to predict the effect of missense changes on protein structure and function are either unavailable or do not agree on the potential impact of this missense change (SIFT: "Tolerated"; PolyPhen-2: "Possibly Damaging"; Align-GVGD: "Class C0"). Experimental studies are conflicting or provide insufficient evidence to determine the effect of this variant on EMD function (PMID: 11587540, 15328537, 17067998, 26415001). Variants that disrupt the consensus splice site are a relatively common cause of aberrant splicing (PMID: 17576681, 9536098). Studies have shown that this missense change is associated with altered splicing resulting in multiple RNA products (PMID: 9266737). In summary, the available evidence is currently insufficient to determine the role of this variant in disease. Therefore, it has been classified as a Variant of Uncertain Significance. This missense change has been observed in individual(s) with Emery-Dreifuss muscular dystrophy (PMID: 9266737). This sequence change replaces glutamine, which is neutral and polar, with histidine, which is basic and polar, at codon 133 of the EMD protein (p.Gln133His). This variant also falls at the last nucleotide of exon 4, which is part of the consensus splice site for this exon. This variant is not present in population databases (gnomAD no frequency).

Literature cited by the submitters: PubMed 11587540 (cited by Labcorp Genetics (formerly Invitae), Labcorp); PubMed 15328537 (cited by Labcorp Genetics (formerly Invitae), Labcorp); PubMed 17067998 (cited by Labcorp Genetics (formerly Invitae), Labcorp); PubMed 26415001 (cited by Labcorp Genetics (formerly Invitae), Labcorp); PubMed 17576681 (cited by Labcorp Genetics (formerly Invitae), Labcorp); PubMed 9536098 (cited by Labcorp Genetics (formerly Invitae), Labcorp); PubMed 9266737 (cited by Labcorp Genetics (formerly Invitae), Labcorp).